The following is an entry in ClinVar:

NC_000009.12:g.114162718del

Gene: COL27A1 (collagen type XXVII alpha 1 chain; plus strand). Cytogenetic location: 9q32.
Variant type: Deletion.
Genome position: GRCh38 VCF-style: chr9-114162713-AG-A. GRCh37 (hg19) VCF-style: chr9-116924993-AG-A.
Identifiers: ClinVar variation 2972062 (VCV002972062.3), dbSNP rs2490483848, ClinGen allele CA645565299.

ClinVar aggregate classification (germline): Pathogenic (1 of 4 stars; one submission).

Submission:

Labcorp Genetics (formerly Invitae), Labcorp
Classification: Pathogenic. Last evaluated: 2023-04-12. Review status: criteria provided, single submitter. Criteria: Invitae Variant Classification Sherloc (09022015). Collection method: clinical testing. Allele origin: germline.
Comment: This variant has not been reported in the literature in individuals affected with COL27A1-related conditions. For these reasons, this variant has been classified as Pathogenic. This variant is not present in population databases (gnomAD no frequency). This sequence change creates a premature translational stop signal (p.Leu24Serfs*6) in the COL27A1 gene. It is expected to result in an absent or disrupted protein product. Loss-of-function variants in COL27A1 are known to be pathogenic (PMID: 24986830, 28276056).

Literature cited by the submitters: PubMed 24986830; PubMed 28276056.